The following is an entry in ClinVar:

NM_000159.4(GCDH):c.1243+1G>C

Gene: GCDH (glutaryl-CoA dehydrogenase; plus strand). Cytogenetic location: 19p13.13.
Variant type: single nucleotide variant.
Coding change: c.1243+1G>C on transcript NM_000159.4 (MANE Select); the canonical splice donor site of the intron after coding-DNA position 1243, G replaced by C.
Molecular consequence: splice donor variant.
Genome position (GRCh38, 1-based): chr19:12,897,864, G>C. VCF-style: chr19-12897864-G-C. GRCh37 (hg19) VCF-style: chr19-13008678-G-C.
Other names: c.1243+1G>C (NM_013976.5).
Identifiers: ClinVar variation 2736824 (VCV002736824.3), dbSNP rs1970723970, ClinGen allele CA404321906.

ClinVar aggregate classification (germline): Likely pathogenic (1 of 4 stars; one submission).

Conditions:
Glutaric aciduria, type 1. Also called: Glutaric Acidemia Type 1; GA I; Glutaryl-CoA dehydrogenase deficiency; Glutaric acidemia type I; Glutaricaciduria, type I; Glutaricacidemia Type 1. Identifiers: Orphanet 25, MedGen C0268595, MONDO:0009281, OMIM 231670.

Submission:

Labcorp Genetics (formerly Invitae), Labcorp
Classification: Likely pathogenic for Glutaric aciduria, type 1. Last evaluated: 2023-04-14. Review status: criteria provided, single submitter. Criteria: Invitae Variant Classification Sherloc (09022015). Collection method: clinical testing. Allele origin: germline.
Comment: In summary, the currently available evidence indicates that the variant is pathogenic, but additional data are needed to prove that conclusively. Therefore, this variant has been classified as Likely Pathogenic. Variants that disrupt the consensus splice site are a relatively common cause of aberrant splicing (PMID: 17576681, 9536098). Studies have shown that disruption of this splice site results in skipping of exon 10 and introduces a premature termination codon (PMID: 9600243). The resulting mRNA is expected to undergo nonsense-mediated decay. This variant is also known as IVS10+1G→C.. Disruption of this splice site has been observed in individual(s) with glutaric acidemia type I (PMID: 9600243). This variant is not present in population databases (gnomAD no frequency). This sequence change affects a donor splice site in intron 11 of the GCDH gene. While this variant is not anticipated to result in nonsense mediated decay, it likely alters RNA splicing and results in a disrupted protein product.

Literature cited by the submitters: PubMed 17576681; PubMed 9536098; PubMed 9600243.